The following is an entry in ClinVar:

NM_001292063.2(OTOG):c.8327G>A (p.Arg2776His)

Gene: OTOG (otogelin; plus strand). Cytogenetic location: 11p15.1.
Variant type: single nucleotide variant.
Coding change: c.8327G>A on transcript NM_001292063.2 (MANE Select); coding-DNA position 8327, G replaced by A.
Protein change: p.Arg2776His; replaces arginine 2776 with histidine.
Molecular consequence: missense variant.
Genome position (GRCh38, 1-based): chr11:17,642,158, G>A. VCF-style: chr11-17642158-G-A. GRCh37 (hg19) VCF-style: chr11-17663705-G-A.
Other names: c.8363G>A, p.Arg2788His (NM_001277269.2); short protein forms R2776H, R2788H.
Identifiers: ClinVar variation 1304951 (VCV001304951.13), dbSNP rs558314848, ClinGen allele CA5906275.
Genomic context (GRCh38, chr11:17,642,158, plus strand): 5'-CTCCCATTACCTACTTCTGTGCCCTCCAGCCCGGGGCATCCTGGATCGCAGACTGCGCCC[G>A]CCACCACTGCAGCAGCACGCCCCTGGGTGCCGTGCTGGTCCGCTCTCCCATAAGCTGCCC-3'
Protein context (NP_001278992.1, residues 2766-2786): PGASWIADCA[Arg2776His]HHCSSTPLGA

ClinVar aggregate classification (germline): Uncertain significance. Review status: criteria provided, multiple submitters, no conflicts (2 of 4 stars). 3 submissions from 3 submitters: Uncertain significance (3). Last evaluated 2025-07-29.

Allele frequency attached by ClinVar (database versions not stated): gnomAD exomes 0.00010 and 0.00015; ExAC 0.00014; 1000 Genomes Project 30x 0.00016; gnomAD 0.00016 and 0.00017; TOPMed 0.00016; 1000 Genomes Project 0.00020.
gnomAD v4.1: 226 of 1,549,554 alleles (0.015%); highest among the groups gnomAD compares: African/African-American, 0.026%; no homozygotes.

Submissions (3):

Labcorp Genetics (formerly Invitae), Labcorp
Classification: Uncertain significance. Last evaluated: 2025-07-29. Review status: criteria provided, single submitter. Criteria: Invitae Variant Classification Sherloc (09022015). Collection method: clinical testing. Allele origin: germline.
Comment: This sequence change replaces arginine, which is basic and polar, with histidine, which is basic and polar, at codon 2788 of the OTOG protein (p.Arg2788His). This variant is present in population databases (rs558314848, gnomAD 0.03%). This variant has not been reported in the literature in individuals affected with OTOG-related conditions. ClinVar contains an entry for this variant (Variation ID: 1304951). An algorithm developed to predict the effect of missense changes on protein structure and function (PolyPhen-2) suggests that this variant is likely to be disruptive. In summary, the available evidence is currently insufficient to determine the role of this variant in disease. Therefore, it has been classified as a Variant of Uncertain Significance.

CeGaT Center for Human Genetics Tuebingen
Classification: Uncertain significance. Last evaluated: 2025-04-01. Review status: criteria provided, single submitter. Criteria: CeGaT Center For Human Genetics Tuebingen Variant Classification Criteria Version 2. Collection method: clinical testing. Allele origin: germline. Affected: yes. Observed: 1 variant allele.

GeneDx
Classification: Uncertain significance. Last evaluated: 2022-02-24. Review status: criteria provided, single submitter. Criteria: GeneDx Variant Classification Process June 2021. Collection method: clinical testing. Allele origin: germline. Affected: yes.
Comment: In silico analysis, which includes protein predictors and evolutionary conservation, supports a deleterious effect; Has not been previously published as pathogenic or benign to our knowledge